The following is an entry in ClinVar:

ClinVar aggregate classification (germline): Uncertain significance (1 of 4 stars; one submission).

Conditions:
Common variable immunodeficiency (CVID). Also called: Common variable hypogamma-globulinemia; Common variable agammaglobulinemia. Identifiers: Orphanet 1572, MedGen C0009447, MONDO:0015517.

Allele frequency attached by ClinVar (database versions not stated): gnomAD exomes 0.00003; TOPMed 0.00003; gnomAD 0.00002 and 0.00003.

Submission:

Labcorp Genetics (formerly Invitae), Labcorp
Classification: Uncertain significance for Common variable immunodeficiency. Last evaluated: 2025-12-10. Review status: criteria provided, single submitter. Criteria: Invitae Variant Classification Sherloc (09022015). Collection method: clinical testing. Allele origin: germline.
Comment: This sequence change replaces alanine, which is neutral and non-polar, with proline, which is neutral and non-polar, at codon 48 of the TNFSF12 protein (p.Ala48Pro). The frequency data for this variant in the population databases is considered unreliable, as metrics indicate poor data quality at this position in the gnomAD database. This variant has not been reported in the literature in individuals affected with TNFSF12-related conditions. ClinVar contains an entry for this variant (Variation ID: 946878). Experimental studies and prediction algorithms are not available or were not evaluated, and the functional significance of this variant is currently unknown. In summary, the available evidence is currently insufficient to determine the role of this variant in disease. Therefore, it has been classified as a Variant of Uncertain Significance.

NM_003809.3(TNFSF12):c.142G>C (p.Ala48Pro)

Genes: TNFSF12 (TNF superfamily member 12; plus strand), TNFSF12-TNFSF13 (TNFSF12-TNFSF13 readthrough; plus strand). Cytogenetic location: 17p13.1.
Variant type: single nucleotide variant.
Coding change: c.142G>C on transcript NM_003809.3 (MANE Select); coding-DNA position 142, G replaced by C.
Protein change: p.Ala48Pro; replaces alanine 48 with proline.
Molecular consequence: missense variant. On other transcripts: non-coding transcript variant (1).
Genome position (GRCh38, 1-based): chr17:7,549,295, G>C. VCF-style: chr17-7549295-G-C. GRCh37 (hg19) VCF-style: chr17-7452612-G-C.
Other names: c.142G>C, p.Ala48Pro (NM_172089.4); short protein forms A48P.
Identifiers: ClinVar variation 946878 (VCV000946878.6), dbSNP rs1368698594, ClinGen allele CA397854400.